The following is an entry in ClinVar:

ClinVar aggregate classification (germline): Pathogenic/Likely pathogenic. Review status: criteria provided, multiple submitters, no conflicts (2 of 4 stars). 3 submissions from 3 submitters: Pathogenic (2); Likely pathogenic (1). Last evaluated 2023-12-04.

Conditions:
Hereditary breast ovarian cancer syndrome. Also called: Hereditary breast and ovarian cancer syndrome; Hereditary breast and ovarian cancer; Hereditary breast and ovarian cancer syndrome (HBOC); Breast and ovarian cancer; Hereditary breast and/or ovarian cancer syndrome; BRCA1- and BRCA2-Associated Hereditary Breast and Ovarian Cancer. Identifiers: Orphanet 145, MedGen C0677776, MeSH D061325, MONDO:0003582. Disease mechanism: loss of function.
Breast-ovarian cancer, familial, susceptibility to, 4. Identifiers: Orphanet 145, MedGen C3280345, MONDO:0013669, OMIM 614291.
Hereditary cancer-predisposing syndrome. Also called: Neoplastic Syndromes, Hereditary; Tumor predisposition; Hereditary neoplastic syndrome; Hereditary Cancer Syndrome. Identifiers: Orphanet 140162, MedGen C0027672, MeSH D009386, MONDO:0015356.

Submissions (3):

Ambry Genetics
Classification: Pathogenic for Hereditary cancer-predisposing syndrome. Last evaluated: 2023-12-04. Review status: criteria provided, single submitter. Criteria: Ambry Variant Classification Scheme 2023. Collection method: clinical testing. Allele origin: germline.
Comment: The p.Q129* pathogenic mutation (also known as c.385C>T), located in coding exon 5 of the RAD51D gene, results from a C to T substitution at nucleotide position 385. This changes the amino acid from a glutamine to a stop codon within coding exon 5. This alteration is expected to result in loss of function by premature protein truncation or nonsense-mediated mRNA decay. As such, this alteration is interpreted as a disease-causing mutation.

Labcorp Genetics (formerly Invitae), Labcorp
Classification: Pathogenic for Breast-ovarian cancer, familial, susceptibility to, 4. Last evaluated: 2023-05-25. Review status: criteria provided, single submitter. Criteria: Invitae Variant Classification Sherloc (09022015). Collection method: clinical testing. Allele origin: germline.
Comment: For these reasons, this variant has been classified as Pathogenic. Algorithms developed to predict the effect of sequence changes on RNA splicing suggest that this variant may disrupt the consensus splice site. ClinVar contains an entry for this variant (Variation ID: 824313). This variant is also known as c.445C>T (p.Q149*). This premature translational stop signal has been observed in individual(s) with breast and/or ovarian cancer (PMID: 32566746). This variant is not present in population databases (gnomAD no frequency). This sequence change creates a premature translational stop signal (p.Gln129*) in the RAD51D gene. It is expected to result in an absent or disrupted protein product. Loss-of-function variants in RAD51D are known to be pathogenic (PMID: 21822267).

Cancer Genomics Group, Japanese Foundation For Cancer Research
Classification: Likely pathogenic for Hereditary breast and ovarian cancer syndrome. Last evaluated: 2019-05-01. Review status: criteria provided, single submitter. Criteria: ACMG Guidelines, 2015. Collection method: research. Allele origin: germline. Affected: yes.

Literature cited by the submitters: PubMed 32566746 (cited by Labcorp Genetics (formerly Invitae), Labcorp); PubMed 21822267 (cited by Labcorp Genetics (formerly Invitae), Labcorp).

NM_002878.4(RAD51D):c.385C>T (p.Gln129Ter)

Genes: RAD51L3-RFFL (RAD51L3-RFFL readthrough; minus strand), RAD51D (RAD51 paralog D; minus strand). Cytogenetic location: 17q12.
Variant type: single nucleotide variant.
Coding change: c.385C>T on transcript NM_002878.4 (MANE Select); coding-DNA position 385, C replaced by T.
Protein change: p.Gln129Ter; replaces glutamine 129 with a stop codon.
Molecular consequence: nonsense. On other transcripts: non-coding transcript variant (1), intron variant (1).
Genome position (GRCh38, 1-based): chr17:35,107,083, G>A on the plus strand (C>T on the coding strand, the complement: RAD51D is on the minus strand). VCF-style: chr17-35107083-G-A. GRCh37 (hg19) VCF-style: chr17-33434102-G-A.
Other names: c.445C>T, p.Gln149Ter (NM_001142571.2); c.145-602C>T (NM_133629.3); short protein forms Q149*, Q129*.
Identifiers: ClinVar variation 824313 (VCV000824313.9), dbSNP rs1597862732, ClinGen allele CA399089332.